The following is an entry in ClinVar:

NM_004972.4(JAK2):c.2435-3C>T

Genes: INSL6 (insulin like 6; minus strand), JAK2 (Janus kinase 2; plus strand). Cytogenetic location: 9p24.1.
Variant type: single nucleotide variant.
Coding change: c.2435-3C>T on transcript NM_004972.4 (MANE Select); 3 bases into the intron before coding-DNA position 2435, C replaced by T.
Molecular consequence: intron variant.
Genome position (GRCh38, 1-based): chr9:5,081,722, C>T. VCF-style: chr9-5081722-C-T. GRCh37 (hg19) VCF-style: chr9-5081722-C-T.
Other names: c.2435-3C>T (NM_001322194.2, NM_001322195.2, NM_001322196.2); c.1220-3C>T (NM_001322198.2, NM_001322199.2); c.1988-3C>T (NM_001322204.2).
Identifiers: ClinVar variation 2957583 (VCV002957583.3), dbSNP rs766054339, ClinGen allele CA4972158.
Genomic context (GRCh38, chr9:5,081,722, plus strand): 5'-ATCAGTTTAGTCCAGAGAATGTTATTTGCTAATTTAAGGTGATAATATTCTTTATTTCTC[C>T]AGATTATGAACTATTAACAGAAAATGACATGTTACCAAATATGAGGATAGGTGCCCTGGG-3'

ClinVar aggregate classification (germline): Uncertain significance (1 of 4 stars; one submission).

Allele frequency attached by ClinVar (database versions not stated): gnomAD 0.00003; gnomAD exomes 0.00002; TOPMed 0.00003; ExAC 0.00002.
gnomAD v4.1: 26 of 1,582,218 alleles (0.0016%); highest among the groups gnomAD compares: Non-Finnish European, 0.0023%; no homozygotes.

Submission:

Labcorp Genetics (formerly Invitae), Labcorp
Classification: Uncertain significance. Last evaluated: 2025-09-03. Review status: criteria provided, single submitter. Criteria: Invitae Variant Classification Sherloc (09022015). Collection method: clinical testing. Allele origin: germline.
Comment: This sequence change falls in intron 18 of the JAK2 gene. It does not directly change the encoded amino acid sequence of the JAK2 protein. It affects a nucleotide within the consensus splice site. This variant is present in population databases (rs766054339, gnomAD 0.004%). This variant has not been reported in the literature in individuals affected with JAK2-related conditions. ClinVar contains an entry for this variant (Variation ID: 2957583). Variants that disrupt the consensus splice site are a relatively common cause of aberrant splicing (PMID: 17576681, 9536098). Algorithms developed to predict the effect of sequence changes on RNA splicing suggest that this variant is not likely to affect RNA splicing. In summary, the available evidence is currently insufficient to determine the role of this variant in disease. Therefore, it has been classified as a Variant of Uncertain Significance.

Literature cited by the submitters: PubMed 17576681; PubMed 9536098.